The following is an entry in ClinVar:

NM_020365.5(EIF2B3):c.849T>A (p.Asn283Lys)

Gene: EIF2B3 (eukaryotic translation initiation factor 2B subunit gamma; minus strand). Cytogenetic location: 1p34.1.
Variant type: single nucleotide variant.
Coding change: c.849T>A on transcript NM_020365.5 (MANE Select); coding-DNA position 849, T replaced by A.
Protein change: p.Asn283Lys; replaces asparagine 283 with lysine.
Molecular consequence: missense variant.
Genome position (GRCh38, 1-based): chr1:44,879,944, A>T on the plus strand (T>A on the coding strand, the complement: EIF2B3 is on the minus strand). VCF-style: chr1-44879944-A-T. GRCh37 (hg19) VCF-style: chr1-45345616-A-T.
Other names: c.849T>A, p.Asn283Lys (NM_001166588.3, NM_001261418.2); short protein forms N283K.
Identifiers: ClinVar variation 4873105 (VCV004873105.2).

ClinVar aggregate classification (germline): Uncertain significance (1 of 4 stars; one submission).

gnomAD v4.1: 3 of 1,614,204 alleles (0.00019%); highest among the groups gnomAD compares: Middle Eastern, 0.033%; no homozygotes.

Submission:

CeGaT Center for Human Genetics Tuebingen
Classification: Uncertain significance. Last evaluated: 2026-06-01. Review status: criteria provided, single submitter. Criteria: CeGaT Center For Human Genetics Tuebingen Variant Classification Criteria Version 2. Collection method: clinical testing. Allele origin: germline. Affected: yes. Observed: 1 variant allele.
Comment: EIF2B3: PM2, BP4